The following is an entry in ClinVar:

ClinVar aggregate classification (germline): Uncertain significance (1 of 4 stars; one submission).

Submission:

GeneDx
Classification: Uncertain significance. Last evaluated: 2024-04-18. Review status: criteria provided, single submitter. Criteria: GeneDx Variant Classification Process June 2021. Collection method: clinical testing. Allele origin: germline. Affected: yes.
Comment: Not observed at significant frequency in large population cohorts (gnomAD); In silico analysis supports that this missense variant has a deleterious effect on protein structure/function; Has not been previously published as pathogenic or benign to our knowledge

NM_015015.3(KDM4B):c.514G>A (p.Val172Met)

Gene: KDM4B (lysine demethylase 4B; plus strand). Cytogenetic location: 19p13.3.
Variant type: single nucleotide variant.
Coding change: c.514G>A on transcript NM_015015.3 (MANE Select); coding-DNA position 514, G replaced by A.
Protein change: p.Val172Met; replaces valine 172 with methionine.
Molecular consequence: missense variant.
Genome position (GRCh38, 1-based): chr19:5,047,557, G>A. VCF-style: chr19-5047557-G-A. GRCh37 (hg19) VCF-style: chr19-5047568-G-A.
Other names: c.514G>A, p.Val172Met (NM_001370093.1, NM_001370094.1, NM_001411148.1); short protein forms V172M.
Identifiers: ClinVar variation 3372802 (VCV003372802.1).